The following is an entry in ClinVar:

NM_001102416.3(KNG1):c.1106A>G (p.Asn369Ser)

Gene: KNG1 (kininogen 1; plus strand). Cytogenetic location: 3q27.3.
Variant type: single nucleotide variant.
Coding change: c.1106A>G on transcript NM_001102416.3 (MANE Select); coding-DNA position 1106, A replaced by G.
Protein change: p.Asn369Ser; replaces asparagine 369 with serine.
Molecular consequence: missense variant.
Genome position (GRCh38, 1-based): chr3:186,739,395, A>G. VCF-style: chr3-186739395-A-G. GRCh37 (hg19) VCF-style: chr3-186457184-A-G.
Other names: c.1106A>G, p.Asn369Ser (NM_000893.4); c.998A>G, p.Asn333Ser (NM_001166451.2); short protein forms N333S, N369S.
Identifiers: ClinVar variation 3030394 (VCV003030394.3), dbSNP rs762183606, ClinGen allele CA2746383.

ClinVar aggregate classification (germline): Uncertain significance. Review status: criteria provided, single submitter (1 of 4 stars). 2 submissions from 2 submitters: Uncertain significance (1). 1 of the submissions does not count toward it. Last evaluated 2025-08-26.

Conditions:
KNG1-related disorder. Also called: KNG1-related condition.

Allele frequency attached by ClinVar (database versions not stated): gnomAD 0.00001; ExAC 0.00002; gnomAD exomes 0.00002; TOPMed 0.00003.
gnomAD v4.1: 12 of 1,608,680 alleles (0.00075%); highest among the groups gnomAD compares: Admixed American, 0.013%; no homozygotes.

Submissions (2):

Ambry Genetics
Classification: Uncertain significance. Last evaluated: 2025-08-26. Review status: criteria provided, single submitter. Criteria: Ambry Variant Classification Scheme 2023. Collection method: clinical testing. Allele origin: germline.

PreventionGenetics, part of Exact Sciences
Classification: Uncertain significance for KNG1-related condition. Last evaluated: 2024-01-18. Review status: no assertion criteria provided. Collection method: clinical testing. Allele origin: germline. Not counted in ClinVar's aggregate classification.
Comment: The KNG1 c.1106A>G variant is predicted to result in the amino acid substitution p.Asn369Ser. To our knowledge, this variant has not been reported in the literature. This variant is reported in 0.026% of alleles in individuals of Latino descent in gnomAD. At this time, the clinical significance of this variant is uncertain due to the absence of conclusive functional and genetic evidence.